The following is an entry in ClinVar:

NM_001330360.2(POLA1):c.4048G>A (p.Gly1350Ser)

Gene: POLA1 (DNA polymerase alpha 1, catalytic subunit; plus strand). Cytogenetic location: Xp22.11.
Variant type: single nucleotide variant.
Coding change: c.4048G>A on transcript NM_001330360.2 (MANE Select); coding-DNA position 4048, G replaced by A.
Protein change: p.Gly1350Ser; replaces glycine 1350 with serine.
Molecular consequence: missense variant. On other transcripts: non-coding transcript variant (2).
Genome position (GRCh38, 1-based): chrX:24,888,006, G>A. VCF-style: chrX-24888006-G-A. GRCh37 (hg19) VCF-style: chrX-24906123-G-A.
Other names: c.3973G>A, p.Gly1325Ser (NM_001378303.1); c.4030G>A, p.Gly1344Ser (NM_016937.4); short protein forms G1344S, G1325S, G1350S.
Identifiers: ClinVar variation 3664444 (VCV003664444.2).

ClinVar aggregate classification (germline): Uncertain significance (1 of 4 stars; one submission).

Submission:

Labcorp Genetics (formerly Invitae), Labcorp
Classification: Uncertain significance. Last evaluated: 2024-10-08. Review status: criteria provided, single submitter. Criteria: Invitae Variant Classification Sherloc (09022015). Collection method: clinical testing. Allele origin: germline.
Comment: This sequence change replaces glycine, which is neutral and non-polar, with serine, which is neutral and polar, at codon 1344 of the POLA1 protein (p.Gly1344Ser). This variant is not present in population databases (gnomAD no frequency). This variant has not been reported in the literature in individuals affected with POLA1-related conditions. An algorithm developed to predict the effect of missense changes on protein structure and function (PolyPhen-2) suggests that this variant is likely to be tolerated. In summary, the available evidence is currently insufficient to determine the role of this variant in disease. Therefore, it has been classified as a Variant of Uncertain Significance.